The following is an entry in ClinVar:

ClinVar aggregate classification (germline): Uncertain significance (1 of 4 stars; one submission).

Allele frequency attached by ClinVar (database versions not stated): TOPMed below 0.00001.
gnomAD v4.1: 1 of 1,545,214 alleles (0.000065%); no homozygotes.

Submission:

Labcorp Genetics (formerly Invitae), Labcorp
Classification: Uncertain significance. Last evaluated: 2025-03-31. Review status: criteria provided, single submitter. Criteria: Invitae Variant Classification Sherloc (09022015). Collection method: clinical testing. Allele origin: germline.
Comment: This sequence change replaces proline, which is neutral and non-polar, with arginine, which is basic and polar, at codon 2159 of the EYS protein (p.Pro2159Arg). This variant is not present in population databases (gnomAD no frequency). This variant has not been reported in the literature in individuals affected with EYS-related conditions. ClinVar contains an entry for this variant (Variation ID: 2060178). Invitae Evidence Modeling of protein sequence and biophysical properties (such as structural, functional, and spatial information, amino acid conservation, physicochemical variation, residue mobility, and thermodynamic stability) has been performed for this missense variant. However, the output from this modeling did not meet the statistical confidence thresholds required to predict the impact of this variant on EYS protein function. In summary, the available evidence is currently insufficient to determine the role of this variant in disease. Therefore, it has been classified as a Variant of Uncertain Significance.

NM_001142800.2(EYS):c.6476C>G (p.Pro2159Arg)

Gene: EYS (EGF-like photoreceptor maintenance factor; minus strand). Cytogenetic location: 6q12.
Variant type: single nucleotide variant.
Coding change: c.6476C>G on transcript NM_001142800.2 (MANE Select); coding-DNA position 6476, C replaced by G.
Protein change: p.Pro2159Arg; replaces proline 2159 with arginine.
Molecular consequence: missense variant.
Genome position (GRCh38, 1-based): chr6:64,081,951, G>C on the plus strand (C>G on the coding strand, the complement: EYS is on the minus strand). VCF-style: chr6-64081951-G-C. GRCh37 (hg19) VCF-style: chr6-64791844-G-C.
Other names: c.6476C>G, p.Pro2159Arg (NM_001292009.2); short protein forms P2159R.
Identifiers: ClinVar variation 2060178 (VCV002060178.2), dbSNP rs1033509618, ClinGen allele CA364391002.